The following is an entry in ClinVar:

ClinVar aggregate classification (germline): Conflicting classifications of pathogenicity. Review status: criteria provided, conflicting classifications (1 of 4 stars). 4 submissions from 4 submitters: Uncertain significance (3); Likely benign (1). Last evaluated 2026-01-01.

Conditions:
Hereditary breast ovarian cancer syndrome. Also called: Hereditary breast and ovarian cancer; Hereditary breast and/or ovarian cancer syndrome; Breast and ovarian cancer; BRCA1- and BRCA2-Associated Hereditary Breast and Ovarian Cancer; Hereditary breast and ovarian cancer syndrome; Hereditary breast and ovarian cancer syndrome (HBOC). Identifiers: Orphanet 145, MedGen C0677776, MeSH D061325, MONDO:0003582. Disease mechanism: loss of function.
Hereditary cancer-predisposing syndrome. Also called: Hereditary neoplastic syndrome; Tumor predisposition; Neoplastic Syndromes, Hereditary; Hereditary Cancer Syndrome. Identifiers: Orphanet 140162, MedGen C0027672, MeSH D009386, MONDO:0015356.

Submissions (4):

Labcorp Genetics (formerly Invitae), Labcorp
Classification: Uncertain significance for Hereditary breast ovarian cancer syndrome. Last evaluated: 2026-01-01. Review status: criteria provided, single submitter. Criteria: Invitae Variant Classification Sherloc (09022015). Collection method: clinical testing. Allele origin: germline.
Comment: This sequence change replaces histidine, which is basic and polar, with arginine, which is basic and polar, at codon 270 of the BRCA1 protein (p.His270Arg). This variant is not present in population databases (gnomAD no frequency). This missense change has been observed in individual(s) with BRCA1-related conditions (PMID: 21520333). ClinVar contains an entry for this variant (Variation ID: 655017). Invitae Evidence Modeling of protein sequence and biophysical properties (such as structural, functional, and spatial information, amino acid conservation, physicochemical variation, residue mobility, and thermodynamic stability) indicates that this missense variant is not expected to disrupt BRCA1 protein function with a negative predictive value of 80%. In summary, the available evidence is currently insufficient to determine the role of this variant in disease. Therefore, it has been classified as a Variant of Uncertain Significance.

Ambry Genetics
Classification: Uncertain significance for Hereditary cancer-predisposing syndrome. Last evaluated: 2023-10-05. Review status: criteria provided, single submitter. Criteria: Ambry Variant Classification Scheme 2023. Collection method: clinical testing. Allele origin: germline.
Comment: The p.H270R variant (also known as c.809A>G), located in coding exon 9 of the BRCA1 gene, results from an A to G substitution at nucleotide position 809. The histidine at codon 270 is replaced by arginine, an amino acid with highly similar properties. This amino acid position is not well conserved in available vertebrate species. In addition, the in silico prediction for this alteration is inconclusive. Since supporting evidence is limited at this time, the clinical significance of this alteration remains unclear.

University of Washington Department of Laboratory Medicine, University of Washington
Classification: Likely benign for Hereditary cancer-predisposing syndrome. Last evaluated: 2023-03-23. Review status: criteria provided, single submitter. Criteria: Dines et al. (Genet Med. 2020). Collection method: curation. Allele origin: germline.
Comment: Missense variant in a coldspot region where missense variants are very unlikely to be pathogenic (PMID:31911673).

BRCA1 coldspot (exon 11 using historical exon numbering). Reclassification based on statistical prior probability

Color Diagnostics, LLC DBA Color Health
Classification: Uncertain significance for Hereditary cancer-predisposing syndrome. Last evaluated: 2021-02-03. Review status: criteria provided, single submitter. Criteria: ACMG Guidelines, 2015. Collection method: clinical testing. Allele origin: germline.
Comment: This missense variant replaces histidine with arginine at codon 270 of the BRCA1 protein. Computational prediction is inconclusive regarding the impact of this variant on protein structure and function (internally defined REVEL score threshold 0.5 < inconclusive < 0.7, PMID: 27666373). To our knowledge, functional studies have not been reported for this variant. This variant has not been reported in individuals affected with hereditary cancer in the literature. This variant has not been identified in the general population by the Genome Aggregation Database (gnomAD). The available evidence is insufficient to determine the role of this variant in disease conclusively. Therefore, this variant is classified as a Variant of Uncertain Significance.

Literature cited by the submitters: PubMed 21520333 (cited by Labcorp Genetics (formerly Invitae), Labcorp).

NM_007294.4(BRCA1):c.809A>G (p.His270Arg)

Gene: BRCA1 (BRCA1 DNA repair associated; minus strand). Cytogenetic location: 17q21.31.
Variant type: single nucleotide variant.
Coding change: c.809A>G on transcript NM_007294.4 (MANE Select); coding-DNA position 809, A replaced by G.
Protein change: p.His270Arg; replaces histidine 270 with arginine.
Molecular consequence: missense variant. On other transcripts: 5 prime UTR variant (2), intron variant (137).
Genome position (GRCh38, 1-based): chr17:43,094,722, T>C on the plus strand (A>G on the coding strand, the complement: BRCA1 is on the minus strand). VCF-style: chr17-43094722-T-C. GRCh37 (hg19) VCF-style: chr17-41246739-T-C.
Other names: c.596A>G, p.His199Arg (NM_001407571.1, NM_001407853.1, NM_001407894.1 and 9 more transcripts); c.809A>G, p.His270Arg (NM_001407581.1, NM_001407582.1, NM_001407583.1 and 30 more transcripts); c.806A>G, p.His269Arg (NM_001407587.1, NM_001407590.1, NM_001407591.1 and 22 more transcripts); c.800A>G, p.His267Arg (NM_001407646.1, NM_001407647.1); c.686A>G, p.His229Arg (NM_001407648.1, NM_001407664.1, NM_001407665.1 and 19 more transcripts); c.728A>G, p.His243Arg (NM_001407661.1, NM_001407662.1, NM_001407659.1 and 1 more transcripts); c.731A>G, p.His244Arg (NM_001407663.1, NM_001407653.1, NM_001407654.1 and 4 more transcripts); c.683A>G, p.His228Arg (NM_001407685.1, NM_001407686.1, NM_001407687.1 and 11 more transcripts); and 40 more; short protein forms H223R, H270R, H202R, H222R, H142R, H159R, H199R, H228R.
Identifiers: ClinVar variation 655017 (VCV000655017.16), dbSNP rs1597879864, ClinGen allele CA10600462.